The following is an entry in ClinVar:

NM_002519.3(NPAT):c.1324A>C (p.Ile442Leu)

Gene: NPAT (nuclear protein, coactivator of histone transcription; minus strand). Cytogenetic location: 11q22.3.
Variant type: single nucleotide variant.
Coding change: c.1324A>C on transcript NM_002519.3 (MANE Select); coding-DNA position 1324, A replaced by C.
Protein change: p.Ile442Leu; replaces isoleucine 442 with leucine.
Molecular consequence: missense variant.
Genome position (GRCh38, 1-based): chr11:108,173,660, T>G on the plus strand (A>C on the coding strand, the complement: NPAT is on the minus strand). VCF-style: chr11-108173660-T-G. GRCh37 (hg19) VCF-style: chr11-108044387-T-G.
Other names: c.1324A>C, p.Ile442Leu (NM_001321307.1); short protein forms I442L.
Identifiers: ClinVar variation 4778987 (VCV004778987.1).

ClinVar aggregate classification (germline): Uncertain significance (1 of 4 stars; one submission).

Submission:

Labcorp Genetics (formerly Invitae), Labcorp
Classification: Uncertain significance. Last evaluated: 2025-10-23. Review status: criteria provided, single submitter. Criteria: Invitae Variant Classification Sherloc (09022015). Collection method: clinical testing. Allele origin: germline.
Comment: This sequence change replaces isoleucine, which is neutral and non-polar, with leucine, which is neutral and non-polar, at codon 442 of the NPAT protein (p.Ile442Leu). This variant is not present in population databases (gnomAD no frequency). This variant has not been reported in the literature in individuals affected with NPAT-related conditions. An algorithm developed to predict the effect of missense changes on protein structure and function (PolyPhen-2) suggests that this variant is likely to be tolerated. In summary, the available evidence is currently insufficient to determine the role of this variant in disease. Therefore, it has been classified as a Variant of Uncertain Significance.